The following is an entry in ClinVar:

NM_007294.4(BRCA1):c.4690C>G (p.Leu1564Val)

Gene: BRCA1 (BRCA1 DNA repair associated; minus strand). Cytogenetic location: 17q21.31.
Variant type: single nucleotide variant.
Coding change: c.4690C>G on transcript NM_007294.4 (MANE Select); coding-DNA position 4690, C replaced by G.
Protein change: p.Leu1564Val; replaces leucine 1564 with valine.
Molecular consequence: missense variant. On other transcripts: intron variant (1).
Genome position (GRCh38, 1-based): chr17:43,071,224, G>C on the plus strand (C>G on the coding strand, the complement: BRCA1 is on the minus strand). VCF-style: chr17-43071224-G-C. GRCh37 (hg19) VCF-style: chr17-41223241-G-C.
Other names: c.1237C>G, p.Leu413Val (NM_001408460.1, NM_001408461.1, NM_001408462.1 and 7 more transcripts); c.1234C>G, p.Leu412Val (NM_001408468.1, NM_001408469.1, NM_001408470.1); c.1378C>G, p.Leu460Val (NM_001408472.1, NM_007298.4, NM_007299.4 and 13 more transcripts); c.1375C>G, p.Leu459Val (NM_001408473.1, NM_001408392.1, NM_001408396.1 and 8 more transcripts); c.1180C>G, p.Leu394Val (NM_001408474.1); c.1177C>G, p.Leu393Val (NM_001408475.1, NM_001408476.1); c.1171C>G, p.Leu391Val (NM_001408478.1, NM_001408479.1, NM_001408480.1); c.1168C>G, p.Leu390Val (NM_001408481.1, NM_001408482.1, NM_001408483.1 and 5 more transcripts); and 71 more; short protein forms L1267V, L1268V, L1395V, L1410V, L1435V, L1436V, L1437V, L1451V.
Identifiers: ClinVar variation 2681813 (VCV002681813.1), dbSNP rs1597831916, ClinGen allele CA10592129.

ClinVar aggregate classification (germline): Uncertain significance (1 of 4 stars; one submission).

Submission:

Quest Diagnostics Nichols Institute San Juan Capistrano
Classification: Uncertain significance. Last evaluated: 2022-11-04. Review status: criteria provided, single submitter. Criteria: Quest Diagnostics criteria. Collection method: clinical testing. Allele origin: unknown.
Comment: This variant has not been reported in the published literature. It also has not been reported in large, multi-ethnic general populations. Analysis of this variant using bioinformatics tools for the prediction of the effect of amino acid changes on protein structure and function yielded predictions that this variant is benign. Based on the available information, we are unable to determine the clinical significance of this variant.